The following is an entry in ClinVar:

NM_001039348.3(EFEMP1):c.401G>A (p.Arg134Gln)

Gene: EFEMP1 (EGF-like fibulin extracellular matrix protein 1; minus strand). Cytogenetic location: 2p16.1.
Variant type: single nucleotide variant.
Coding change: c.401G>A on transcript NM_001039348.3 (MANE Select); coding-DNA position 401, G replaced by A.
Protein change: p.Arg134Gln; replaces arginine 134 with glutamine.
Molecular consequence: missense variant.
Genome position (GRCh38, 1-based): chr2:55,917,781, C>T on the plus strand (G>A on the coding strand, the complement: EFEMP1 is on the minus strand). VCF-style: chr2-55917781-C-T. GRCh37 (hg19) VCF-style: chr2-56144916-C-T.
Other names: c.401G>A, p.Arg134Gln (NM_001039349.3); short protein forms R134Q.
Identifiers: ClinVar variation 896671 (VCV000896671.14), dbSNP rs748310171, ClinGen allele CA1668950.

ClinVar aggregate classification (germline): Conflicting classifications of pathogenicity. Review status: criteria provided, conflicting classifications (1 of 4 stars). 4 submissions from 4 submitters: Uncertain significance (3); Likely benign (1). Last evaluated 2024-01-01.

Conditions:
Doyne honeycomb retinal dystrophy (DHRD). Also called: MALATTIA LEVENTINESE; DRUSEN, RADIAL, AUTOSOMAL DOMINANT; DOYNE HONEYCOMB DEGENERATION OF RETINA. Identifiers: Orphanet 75376, MedGen C1832174, MONDO:0007471, OMIM 126600.
Inborn genetic diseases. Identifiers: MedGen C0950123, MeSH D030342.

Allele frequency attached by ClinVar (database versions not stated): gnomAD 0.00003; gnomAD exomes 0.00003 and 0.00010; TOPMed 0.00004; ExAC 0.00006.
gnomAD v4.1: 45 of 1,614,038 alleles (0.0028%); highest among the groups gnomAD compares: Admixed American, 0.033%; no homozygotes.

Submissions (4):

Labcorp Genetics (formerly Invitae), Labcorp
Classification: Uncertain significance. Last evaluated: 2024-01-01. Review status: criteria provided, single submitter. Criteria: Invitae Variant Classification Sherloc (09022015). Collection method: clinical testing. Allele origin: germline.
Comment: This sequence change replaces arginine, which is basic and polar, with glutamine, which is neutral and polar, at codon 134 of the EFEMP1 protein (p.Arg134Gln). This variant is present in population databases (rs748310171, gnomAD 0.04%), and has an allele count higher than expected for a pathogenic variant. This variant has not been reported in the literature in individuals affected with EFEMP1-related conditions. ClinVar contains an entry for this variant (Variation ID: 896671). An algorithm developed to predict the effect of missense changes on protein structure and function (PolyPhen-2) suggests that this variant is likely to be tolerated. In summary, the available evidence is currently insufficient to determine the role of this variant in disease. Therefore, it has been classified as a Variant of Uncertain Significance.

Ambry Genetics
Classification: Uncertain significance for Inborn genetic diseases. Last evaluated: 2023-10-13. Review status: criteria provided, single submitter. Criteria: Ambry Variant Classification Scheme 2023. Collection method: clinical testing. Allele origin: germline.

Blueprint Genetics
Classification: Uncertain significance. Last evaluated: 2022-10-06. Review status: criteria provided, single submitter. Criteria: ACMG Guidelines, 2015. Collection method: clinical testing. Allele origin: germline.

Illumina Laboratory Services, Illumina
Classification: Likely benign for Doyne honeycomb retinal dystrophy. Last evaluated: 2018-01-13. Review status: criteria provided, single submitter. Criteria: ICSL Variant Classification Criteria 13 December 2019. Collection method: clinical testing. Allele origin: germline.
Comment: This variant was observed in the ICSL laboratory as part of a predisposition screen in an ostensibly healthy population. It had not been previously curated by ICSL or reported in the Human Gene Mutation Database (HGMD: prior to June 1st, 2018), and was therefore a candidate for classification through an automated scoring system. Utilizing variant allele frequency, disease prevalence and penetrance estimates, and inheritance mode, an automated score was calculated to assess if this variant is too frequent to cause the disease. Based on the score and internal cut-off values, a variant classified as likely benign is not then subjected to further curation. The score for this variant resulted in a classification of likely benign for this disease.